The following is an entry in ClinVar:

NM_001081.4(CUBN):c.8017G>A (p.Glu2673Lys)

Gene: CUBN (cubilin; minus strand). Cytogenetic location: 10p13.
Variant type: single nucleotide variant.
Coding change: c.8017G>A on transcript NM_001081.4 (MANE Select); coding-DNA position 8017, G replaced by A.
Protein change: p.Glu2673Lys; replaces glutamic acid 2673 with lysine.
Molecular consequence: missense variant.
Genome position (GRCh38, 1-based): chr10:16,904,011, C>T on the plus strand (G>A on the coding strand, the complement: CUBN is on the minus strand). VCF-style: chr10-16904011-C-T. GRCh37 (hg19) VCF-style: chr10-16946010-C-T.
Other names: c.8017G>A (NM_001081.3); short protein forms E2673K.
Identifiers: ClinVar variation 1520542 (VCV001520542.6), dbSNP rs781304382, ClinGen allele CA203559087.

ClinVar aggregate classification (germline): Uncertain significance. Review status: criteria provided, multiple submitters, no conflicts (2 of 4 stars). 2 submissions from 2 submitters: Uncertain significance (2). Last evaluated 2025-06-29.

Conditions:
Inborn genetic diseases. Identifiers: MedGen C0950123, MeSH D030342.
Imerslund-Grasbeck syndrome. Also called: Megaloblastic anemia due to inborn errors of metabolism; PERNICIOUS ANEMIA, JUVENILE, DUE TO SELECTIVE INTESTINAL MALABSORPTION OF VITAMIN B12, WITH PROTEINURIA; Imerslund-Gräsbeck syndrome; ENTEROCYTE COBALAMIN MALABSORPTION; ENTEROCYTE INTRINSIC FACTOR RECEPTOR, DEFECT OF. Identifiers: Orphanet 35858, MedGen C4551825, MONDO:0009853.

Allele frequency attached by ClinVar (database versions not stated): gnomAD exomes below 0.00001 and 0.00001; gnomAD 0.00002; TOPMed 0.00003.
gnomAD v4.1: 11 of 1,613,188 alleles (0.00068%); highest among the groups gnomAD compares: Middle Eastern, 0.016%; no homozygotes.

Submissions (2):

Ambry Genetics
Classification: Uncertain significance for Inborn genetic diseases. Last evaluated: 2025-06-29. Review status: criteria provided, single submitter. Criteria: Ambry Variant Classification Scheme 2023. Collection method: clinical testing. Allele origin: germline.

Labcorp Genetics (formerly Invitae), Labcorp
Classification: Uncertain significance for Imerslund-Grasbeck syndrome. Last evaluated: 2022-01-20. Review status: criteria provided, single submitter. Criteria: Invitae Variant Classification Sherloc (09022015). Collection method: clinical testing. Allele origin: germline.
Comment: In summary, the available evidence is currently insufficient to determine the role of this variant in disease. Therefore, it has been classified as a Variant of Uncertain Significance. Algorithms developed to predict the effect of missense changes on protein structure and function are either unavailable or do not agree on the potential impact of this missense change (SIFT: "Tolerated"; PolyPhen-2: "Possibly Damaging"; Align-GVGD: "Class C0"). This variant has not been reported in the literature in individuals affected with CUBN-related conditions. This variant is present in population databases (rs781304382, gnomAD 0.004%). This sequence change replaces glutamic acid, which is acidic and polar, with lysine, which is basic and polar, at codon 2673 of the CUBN protein (p.Glu2673Lys).